The following is an entry in ClinVar:

ClinVar aggregate classification (germline): Pathogenic/Likely pathogenic. Review status: criteria provided, multiple submitters, no conflicts (2 of 4 stars). 2 submissions from 2 submitters: Pathogenic (1); Likely pathogenic (1). Last evaluated 2026-04-15.

Conditions:
Cardiomyopathy (CMYO). Also called: Cardiomyopathies. Identifiers: Orphanet 167848, MedGen C0878544, MONDO:0004994, HP:0001638. Inheritance: Various modes of inheritance.
MYBPC3-related disorder. Also called: MYBPC3-related disorders; MYBPC3-related condition; MYBPC3-related disease.

Submissions (2):

PreventionGenetics, part of Exact Sciences
Classification: Likely pathogenic for MYBPC3-related condition. Last evaluated: 2026-04-15. Review status: criteria provided, single submitter. Criteria: ACMG Guidelines, 2015. Collection method: clinical testing. Allele origin: germline.
Comment: The MYBPC3 c.1518_1519delCG variant is predicted to result in a frameshift and premature protein termination (p.Asp506Glufs*24). To our knowledge, this variant has not been reported in the literature or in a large population database (gnomAD), indicating this variant is rare. Frameshift variants in MYBPC3 are expected to be pathogenic. This variant is interpreted as likely pathogenic.

Color Diagnostics, LLC DBA Color Health
Classification: Pathogenic for Cardiomyopathy. Last evaluated: 2019-11-13. Review status: criteria provided, single submitter. Criteria: ACMG Guidelines, 2015. Collection method: clinical testing. Allele origin: germline.
Comment: This variant deletes 2 nucleotides in exon 17 of the MYBPC3 gene, creating a frameshift and premature translation stop signal. This variant is expected to result in an absent or non-functional protein product. Splice site prediction tools suggest that this variant may not impact RNA splicing. To our knowledge, functional studies have not been performed for this variant. This variant has not been reported in individuals affected with cardiovascular disorders in the literature. This variant has not been identified in the general population by the Genome Aggregation Database (gnomAD). Loss of MYBPC3 function is a known mechanism of disease. Based on the available evidence, this variant is classified as Pathogenic.

NM_000256.3(MYBPC3):c.1518_1519del (p.Asp506fs)

Gene: MYBPC3 (myosin binding protein C3; minus strand). Cytogenetic location: 11p11.2.
Variant type: Deletion.
Coding change: c.1518_1519del on transcript NM_000256.3 (MANE Select); coding-DNA positions 1518 to 1519, 2 bases deleted (CG; older notation c.1518_1519delCG).
Protein change: p.Asp506fs; shifts the reading frame from aspartic acid 506.
Molecular consequence: frameshift variant.
Genome position (GRCh38, 1-based): chr11:47,342,683-47,342,684, CG deleted on the plus strand (CG on the coding strand, the reverse complement: MYBPC3 is on the minus strand). VCF-style (leftmost placement, unchanged base first): chr11-47342682-CCG-C. GRCh37 (hg19) VCF-style: chr11-47364233-CCG-C.
Other names: c.1518_1519delCG (NM_000256.3); short protein forms D506fs.
Identifiers: ClinVar variation 926064 (VCV000926064.4), dbSNP rs2095889992, ClinGen allele CA1139661930.